The following is an entry in ClinVar:

ClinVar aggregate classification (germline): Uncertain significance. Review status: criteria provided, single submitter (1 of 4 stars). 2 submissions from 2 submitters: Uncertain significance (1). 1 of the submissions does not count toward it. Last evaluated 2021-09-01.

Conditions:
Primary ciliary dyskinesia. Also called: Ciliary dyskinesia. Identifiers: Orphanet 244, MedGen C0008780, MONDO:0016575, HP:0012265.

Submissions (2):

Labcorp Genetics (formerly Invitae), Labcorp
Classification: Uncertain significance for Primary ciliary dyskinesia. Last evaluated: 2021-09-01. Review status: criteria provided, single submitter. Criteria: Invitae Variant Classification Sherloc (09022015). Collection method: clinical testing. Allele origin: germline.
Comment: This sequence change replaces isoleucine with valine at codon 412 of the DNAH5 protein (p.Ile412Val). The isoleucine residue is highly conserved and there is a small physicochemical difference between isoleucine and valine. This variant is not present in population databases (ExAC no frequency). This variant has not been reported in the literature in individuals affected with DNAH5-related conditions. Algorithms developed to predict the effect of missense changes on protein structure and function are either unavailable or do not agree on the potential impact of this missense change (SIFT: "Deleterious"; PolyPhen-2: "Benign"; Align-GVGD: "Class C0"). In summary, the available evidence is currently insufficient to determine the role of this variant in disease. Therefore, it has been classified as a Variant of Uncertain Significance.

Natera, Inc.
Classification: Uncertain significance for Primary ciliary dyskinesia. Last evaluated: 2020-08-19. Review status: no assertion criteria provided. Collection method: clinical testing. Allele origin: germline. Not counted in ClinVar's aggregate classification.

NM_001369.3(DNAH5):c.1234A>G (p.Ile412Val)

Gene: DNAH5 (dynein axonemal heavy chain 5; minus strand). Cytogenetic location: 5p15.2.
Variant type: single nucleotide variant.
Coding change: c.1234A>G on transcript NM_001369.3 (MANE Select); coding-DNA position 1234, A replaced by G.
Protein change: p.Ile412Val; replaces isoleucine 412 with valine.
Molecular consequence: missense variant.
Genome position (GRCh38, 1-based): chr5:13,914,606, T>C on the plus strand (A>G on the coding strand, the complement: DNAH5 is on the minus strand). VCF-style: chr5-13914606-T-C. GRCh37 (hg19) VCF-style: chr5-13914715-T-C.
Other names: short protein forms I412V.
Identifiers: ClinVar variation 652566 (VCV000652566.7), dbSNP rs1580867247, ClinGen allele CA359215323.